The following is an entry in ClinVar:

NM_004341.5(CAD):c.6329G>T (p.Arg2110Leu)

Genes: CAD (carbamoyl-phosphate synthetase 2, aspartate transcarbamylase, and dihydroorotase; plus strand), LOC126806172 (CDK7 strongly-dependent group 2 enhancer GRCh37_chr2:27465505-27466704; plus strand). Cytogenetic location: 2p23.3.
Variant type: single nucleotide variant.
Coding change: c.6329G>T on transcript NM_004341.5 (MANE Select); coding-DNA position 6329, G replaced by T.
Protein change: p.Arg2110Leu; replaces arginine 2110 with leucine.
Molecular consequence: missense variant.
Genome position (GRCh38, 1-based): chr2:27,242,726, G>T. VCF-style: chr2-27242726-G-T. GRCh37 (hg19) VCF-style: chr2-27465594-G-T.
Other names: c.6140G>T, p.Arg2047Leu (NM_001306079.2); short protein forms R2047L, R2110L.
Identifiers: ClinVar variation 1028733 (VCV001028733.2), dbSNP rs759380014, ClinGen allele CA44521515.
Genomic context (GRCh38, chr2:27,242,726, plus strand): 5'-TGGCCTGCCTGCTCACCCAGTATCGTGTCAGCCTGCGCTACGTGGCACCTCCCAGCCTGC[G>T]CATGCCACCCACTGTGCGGGCCTTCGTGGCCTCCCGCGGCACCAAGCAGGTGAGACCCTC-3'
Protein context (NP_004332.2, residues 2100-2120): SLRYVAPPSL[Arg2110Leu]MPPTVRAFVA

ClinVar aggregate classification (germline): Uncertain significance. Review status: criteria provided, multiple submitters, no conflicts (2 of 4 stars). 2 submissions from 2 submitters: Uncertain significance (2). Last evaluated 2024-08-16.

Conditions:
Developmental and epileptic encephalopathy, 50 (DEE50). Also called: Epileptic encephalopathy, early infantile, 50. Identifiers: Orphanet 448010, MedGen C4225320, MONDO:0014647, OMIM 616457.

gnomAD v4.1: 2 of 1,614,176 alleles (0.00012%); highest among the groups gnomAD compares: Non-Finnish European, 0.00017%; no homozygotes.

Submissions (2):

Women's Health and Genetics/Laboratory Corporation of America, LabCorp
Classification: Uncertain significance. Last evaluated: 2024-08-16. Review status: criteria provided, single submitter. Criteria: LabCorp Variant Classification Summary - May 2015. Collection method: clinical testing. Allele origin: germline.
Comment: Variant summary: CAD c.6329G>T (p.Arg2110Leu) results in a non-conservative amino acid change located in the Aspartate/ornithine carbamoyltransferase, Asp/Orn-binding domain (IPR006131) of the encoded protein sequence. Three of five in-silico tools predict a damaging effect of the variant on protein function. The variant allele was found at a frequency of 4e-06 in 251314 control chromosomes. c.6329G>T has been reported in the literature in at least one homozygous individual affected with Early Infantile Epileptic Encephalopathy, 50 (del Cano-Ochoa_2020). These data indicate that the variant may be associated with disease. At least one publication reports experimental evidence evaluating an impact on protein function. The most pronounced variant effect results in a ~30% of normal CAD activity (del Cano-Ochoa_2020). The following publication has been ascertained in the context of this evaluation (PMID: 32461667). ClinVar contains an entry for this variant (Variation ID: 1028733). Based on the evidence outlined above, the variant was classified as VUS-possibly pathogenic.

Baylor Genetics
Classification: Uncertain significance for Developmental and epileptic encephalopathy, 50. Last evaluated: 2019-08-08. Review status: criteria provided, single submitter. Criteria: ACMG Guidelines, 2015. Collection method: clinical testing. Allele origin: unknown. Affected: yes.
Comment: This variant was determined to be of uncertain significance according to ACMG Guidelines, 2015 [PMID:25741868].

Literature cited by the submitters: PubMed 32461667 (cited by Women's Health and Genetics/Laboratory Corporation of America, LabCorp).